The following is an entry in ClinVar:

NM_001271.4(CHD2):c.938_948del (p.Gly313fs)

Gene: CHD2 (chromodomain helicase DNA binding protein 2; plus strand). Cytogenetic location: 15q26.1.
Variant type: Deletion.
Coding change: c.938_948del on transcript NM_001271.4 (MANE Select); coding-DNA positions 938 to 948, 11 bases deleted (GTTGGTCTTAC).
Protein change: p.Gly313fs; shifts the reading frame from glycine 313.
Molecular consequence: frameshift variant.
Genome position (GRCh38, 1-based): chr15:92,942,954-92,942,964, GTTGGTCTTAC deleted. VCF-style (leftmost placement, unchanged base first): chr15-92942953-GGTTGGTCTTAC-G. GRCh37 (hg19) VCF-style: chr15-93486183-GGTTGGTCTTAC-G.
Other names: c.938_948del, p.Gly313fs (NM_001042572.3); short protein forms G313fs.
Identifiers: ClinVar variation 1076209 (VCV001076209.7), dbSNP rs2141787520, ClinGen allele CA2499223176.

ClinVar aggregate classification (germline): Pathogenic (1 of 4 stars; one submission).

Conditions:
Developmental and epileptic encephalopathy 94 (DEE94). Also called: Epileptic encephalopathy, childhood-onset; CHD2-Related Neurodevelopmental Disorders. Identifiers: Orphanet 1942, Orphanet 2382, MedGen C3809278, MONDO:0014150, OMIM 615369.

Submission:

Labcorp Genetics (formerly Invitae), Labcorp
Classification: Pathogenic for Developmental and epileptic encephalopathy 94. Last evaluated: 2020-06-03. Review status: criteria provided, single submitter. Criteria: Invitae Variant Classification Sherloc (09022015). Collection method: clinical testing. Allele origin: germline.
Comment: This sequence change creates a premature translational stop signal (p.Gly313Aspfs*8) in the CHD2 gene. It is expected to result in an absent or disrupted protein product. This variant is not present in population databases (ExAC no frequency). This variant has not been reported in the literature in individuals with CHD2-related conditions. Loss-of-function variants in CHD2 are known to be pathogenic (PMID: 23708187, 24207121). For these reasons, this variant has been classified as Pathogenic.

Literature cited by the submitters: PubMed 23708187; PubMed 24207121.